The following is an entry in ClinVar:

ClinVar aggregate classification (germline): Uncertain significance (1 of 4 stars; one submission).

Allele frequency attached by ClinVar (database versions not stated): ESP Exome Variant Server 0.00008.

Submission:

GeneDx
Classification: Uncertain significance. Last evaluated: 2022-06-24. Review status: criteria provided, single submitter. Criteria: GeneDx Variant Classification Process June 2021. Collection method: clinical testing. Allele origin: germline. Affected: yes.
Comment: In silico analysis supports that this missense variant has a deleterious effect on protein structure/function; Has not been previously published as pathogenic or benign to our knowledge

NM_017534.6(MYH2):c.4027C>T (p.Arg1343Cys)

Genes: MYH2 (myosin heavy chain 2; minus strand), MYHAS (myosin heavy chain gene cluster antisense RNA; plus strand). Cytogenetic location: 17p13.1.
Variant type: single nucleotide variant.
Coding change: c.4027C>T on transcript NM_017534.6 (MANE Select); coding-DNA position 4027, C replaced by T.
Protein change: p.Arg1343Cys; replaces arginine 1343 with cysteine.
Molecular consequence: missense variant.
Genome position (GRCh38, 1-based): chr17:10,526,759, G>A on the plus strand (C>T on the coding strand, the complement: MYH2 is on the minus strand). VCF-style: chr17-10526759-G-A. GRCh37 (hg19) VCF-style: chr17-10430076-G-A.
Other names: c.4027C>T, p.Arg1343Cys (NM_001100112.2); short protein forms R1343C.
Identifiers: ClinVar variation 1693031 (VCV001693031.2), dbSNP rs145911509, ClinGen allele CA8390742.
Genomic context (GRCh38, chr17:10,526,759, plus strand): 5'-GCTCGGCCTTGGATTCCTGCTCCTCCTCATACTGTTCCCGCAGCAGGTCACAGTCGTGGC[G>A]GGAAGACTGCAGGGCATGCGCCAGGGCGTTCTTGGCCTATGGAGGCAGTTACACCTTCAT-3'
Protein context (NP_060004.3, residues 1333-1353): NALAHALQSS[Arg1343Cys]HDCDLLREQY